The following is an entry in ClinVar:

ClinVar aggregate classification (germline): Uncertain significance. Review status: criteria provided, multiple submitters, no conflicts (2 of 4 stars). 2 submissions from 2 submitters: Uncertain significance (2). Last evaluated 2025-07-14.

Conditions:
Inborn genetic diseases. Identifiers: MedGen C0950123, MeSH D030342.
Aculeiform cataract (CTRCT4). Also called: Fasciculiform cataract; Frosted cataract; Needle-shaped cataract. Identifiers: MedGen C1861832, HP:0010926.

Allele frequency attached by ClinVar (database versions not stated): gnomAD exomes below 0.00001 and 0.00001; TOPMed below 0.00001; ExAC 0.00002; ESP Exome Variant Server 0.00008.
gnomAD v4.1: 10 of 1,614,178 alleles (0.00062%); highest among the groups gnomAD compares: Middle Eastern, 0.016%; no homozygotes.

Submissions (2):

Ambry Genetics
Classification: Uncertain significance for Inborn genetic diseases. Last evaluated: 2025-07-14. Review status: criteria provided, single submitter. Criteria: Ambry Variant Classification Scheme 2023. Collection method: clinical testing. Allele origin: germline.

Labcorp Genetics (formerly Invitae), Labcorp
Classification: Uncertain significance for Aculeiform cataract. Last evaluated: 2022-11-15. Review status: criteria provided, single submitter. Criteria: Invitae Variant Classification Sherloc (09022015). Collection method: clinical testing. Allele origin: germline.
Comment: This sequence change replaces asparagine, which is neutral and polar, with serine, which is neutral and polar, at codon 119 of the CRYGD protein (p.Asn119Ser). ClinVar contains an entry for this variant (Variation ID: 1364753). Algorithms developed to predict the effect of missense changes on protein structure and function output the following: SIFT: "Tolerated"; PolyPhen-2: "Benign"; Align-GVGD: "Class C0". The serine amino acid residue is found in multiple mammalian species, which suggests that this missense change does not adversely affect protein function. This variant has not been reported in the literature in individuals affected with CRYGD-related conditions. This variant is present in population databases (rs370051610, gnomAD 0.007%). In summary, the available evidence is currently insufficient to determine the role of this variant in disease. Therefore, it has been classified as a Variant of Uncertain Significance.

NM_006891.4(CRYGD):c.356A>G (p.Asn119Ser)

Genes: CRYGD (crystallin gamma D; minus strand), LOC100507443 (uncharacterized LOC100507443; plus strand). Cytogenetic location: 2q33.3.
Variant type: single nucleotide variant.
Coding change: c.356A>G on transcript NM_006891.4 (MANE Select); coding-DNA position 356, A replaced by G.
Protein change: p.Asn119Ser; replaces asparagine 119 with serine.
Molecular consequence: missense variant.
Genome position (GRCh38, 1-based): chr2:208,121,842, T>C on the plus strand (A>G on the coding strand, the complement: CRYGD is on the minus strand). VCF-style: chr2-208121842-T-C. GRCh37 (hg19) VCF-style: chr2-208986566-T-C.
Other names: c.356A>G (NM_006891.3); short protein forms N119S.
Identifiers: ClinVar variation 1364753 (VCV001364753.7), dbSNP rs370051610, ClinGen allele CA2077649.